The following is an entry in ClinVar:

ClinVar aggregate classification (germline): Uncertain significance (1 of 4 stars; one submission).

Submission:

Labcorp Genetics (formerly Invitae), Labcorp
Classification: Uncertain significance. Last evaluated: 2022-06-14. Review status: criteria provided, single submitter. Criteria: Invitae Variant Classification Sherloc (09022015). Collection method: clinical testing. Allele origin: germline.
Comment: This variant, c.2581_2589dup, results in the insertion of 3 amino acid(s) of the ADAMTSL4 protein (p.Gly861_Gln863dup), but otherwise preserves the integrity of the reading frame. This variant is present in population databases (rs756679115, gnomAD 0.002%). This variant has not been reported in the literature in individuals affected with ADAMTSL4-related conditions. In summary, the available evidence is currently insufficient to determine the role of this variant in disease. Therefore, it has been classified as a Variant of Uncertain Significance.

NM_019032.6(ADAMTSL4):c.2581_2589dup (p.Gln863_Arg864insGlyIleGln)

Gene: ADAMTSL4 (ADAMTS like 4; plus strand). Cytogenetic location: 1q21.2.
Variant type: Duplication.
Coding change: c.2581_2589dup on transcript NM_019032.6 (MANE Select); coding-DNA positions 2581 to 2589, 9 bases duplicated (GGAATCCAG; older notation c.2581_2589dupGGAATCCAG).
Protein change: p.Gln863_Arg864insGlyIleGln.
Molecular consequence: inframe insertion.
Genome position (GRCh38, 1-based): chr1:150,558,983-150,558,991, GGAATCCAG duplicated; duplicating any 9 consecutive bases within chr1:150,558,982-150,558,991 gives the same sequence; the c. name uses the placement nearest the transcript's 3' end. VCF-style (leftmost placement, unchanged base first): chr1-150558981-C-CGGGAATCCA. GRCh37 (hg19) VCF-style: chr1-150531457-C-CGGGAATCCA.
Other names: c.2464_2472dup, p.Gln824_Arg825insGlyIleGln (NM_001288607.2); c.2650_2658dup, p.Gln886_Arg887insGlyIleGln (NM_001288608.2); c.2581_2589dup, p.Gln863_Arg864insGlyIleGln (NM_001378596.1).
Identifiers: ClinVar variation 1990703 (VCV001990703.1), dbSNP rs756679115, ClinGen allele CA1078777.